The following is an entry in ClinVar:

ClinVar aggregate classification (germline): Benign (1 of 4 stars; one submission).

Allele frequency attached by ClinVar (database versions not stated): 1000 Genomes Project 30x 0.09963; 1000 Genomes Project 0.10084.
gnomAD v4.1: 23,288 of 152,252 alleles (15%); highest among the groups gnomAD compares: Non-Finnish European, 22%; 2,193 homozygotes.

Submission:

GeneDx
Classification: Benign. Last evaluated: 2020-10-28. Review status: criteria provided, single submitter. Criteria: GeneDx Variant Classification Process June 2021. Collection method: clinical testing. Allele origin: germline. Affected: yes.
Comment: This variant is associated with the following publications: (PMID: 26716642)

NM_030782.5(CLPTM1L):c.1532+1051G>T

Gene: CLPTM1L (CLPTM1 like). Cytogenetic location: 5p15.33.
Variant type: single nucleotide variant.
Coding change: c.1532+1051G>T on transcript NM_030782.5 (MANE Select); 1051 bases into the intron after coding-DNA position 1532, G replaced by T.
Molecular consequence: intron variant.
Genome position (GRCh38, 1-based): chr5:1,319,565, C>A on the plus strand (G>T on the coding strand, the complement: CLPTM1L is on the minus strand). VCF-style: chr5-1319565-C-A. GRCh37 (hg19) VCF-style: chr5-1319680-C-A.
Identifiers: ClinVar variation 1226954 (VCV001226954.3), dbSNP rs451360, ClinGen allele CA11915815.